The following is an entry in ClinVar:

NM_000077.5(CDKN2A):c.328T>A (p.Trp110Arg)

Gene: CDKN2A (cyclin dependent kinase inhibitor 2A; minus strand). Cytogenetic location: 9p21.3.
Variant type: single nucleotide variant.
Coding change: c.328T>A on transcript NM_000077.5; coding-DNA position 328, T replaced by A.
Protein change: p.Trp110Arg; replaces tryptophan 110 with arginine.
Molecular consequence: missense variant (on NM_001363763.2). On other transcripts: 3 prime UTR variant (1).
Genome position (GRCh38, 1-based): chr9:21,971,031, A>T on the plus strand (T>A on the coding strand, the complement: CDKN2A is on the minus strand). VCF-style: chr9-21971031-A-T. GRCh37 (hg19) VCF-style: chr9-21971030-A-T.
Other names: c.175T>A, p.Trp59Arg (NM_001363763.2); c.371T>A, p.Leu124Gln (NM_058195.4); c.*251T>A (NM_058197.5); c.328T>A, p.Trp110Arg (NM_000077.6, NM_001195132.2); short protein forms L124Q, W110R, W59R.
Identifiers: ClinVar variation 967381 (VCV000967381.9), dbSNP rs747717236, ClinGen allele CA373086050.
Genomic context (GRCh38, chr9:21,971,031, plus strand): 5'-GGTACCGTGCGACATCGCGATGGCCCAGCTCCTCAGCCAGGTCCACGGGCAGACGGCCCC[A>T]GGCATCGCGCACGTCCAGCCGCGCCCCGGCCCGGTGCAGCACCACCAGCGTGTCCAGGAA-3'
Protein context (NP_000068.1, residues 100-120): AGARLDVRDA[Trp110Arg]GRLPVDLAEE

ClinVar aggregate classification (germline): Uncertain significance (1 of 4 stars; one submission).

Conditions:
Familial melanoma. Also called: Hereditary melanoma; Hereditary cutaneous melanoma. Identifiers: Orphanet 618, MedGen C1512419, MONDO:0018961.

Submission:

Labcorp Genetics (formerly Invitae), Labcorp
Classification: Uncertain significance for Familial melanoma. Last evaluated: 2019-06-26. Review status: criteria provided, single submitter. Criteria: Invitae Variant Classification Sherloc (09022015). Collection method: clinical testing. Allele origin: germline.
Comment: The CDKN2A gene encodes two different proteins, p16INK4a and p14ARF, which are translated from alternative transcripts that have different open reading frames. In summary, the available evidence is currently insufficient to determine the role of this variant in disease. Therefore, it has been classified as a Variant of Uncertain Significance. Algorithms developed to predict the effect of sequence changes on RNA splicing suggest that this variant may create or strengthen a splice site, but this prediction has not been confirmed by published transcriptional studies. The p.Trp110Arg variant has been reported not to substantially affect CDKN2A (p16INK4a) protein function (PMID: 12606942). The functional impact of p.Leu124Gln on p14ARF has not been tested. This variant has not been reported in the literature in individuals with CDKN2A (p16INK4a)-related conditions. This variant is not present in population databases (ExAC no frequency). This sequence change replaces tryptophan with arginine at codon 110 of the CDKN2A (p16INK4a) protein (p.Trp110Arg). The tryptophan residue is highly conserved and there is a moderate physicochemical difference between tryptophan and arginine. Alternatively, this sequence change replaces leucine with glutamine at codon 124 of the CDKN2A (p14ARF) protein (p.Leu124Gln). The leucine residue is highly conserved and there is a moderate physicochemical difference between leucine and glutamine.

Literature cited by the submitters: PubMed 12606942.